The following is an entry in ClinVar:

ClinVar aggregate classification (germline): Uncertain significance (1 of 4 stars; one submission).

Conditions:
Kabuki syndrome. Also called: Kabuki make-up syndrome; NIIKAWA-KUROKI SYNDROME. Identifiers: Orphanet 2322, MedGen C0796004, MONDO:0016512.

Submission:

Labcorp Genetics (formerly Invitae), Labcorp
Classification: Uncertain significance for Kabuki syndrome. Last evaluated: 2024-08-04. Review status: criteria provided, single submitter. Criteria: Invitae Variant Classification Sherloc (09022015). Collection method: clinical testing. Allele origin: germline.
Comment: This sequence change replaces leucine, which is neutral and non-polar, with valine, which is neutral and non-polar, at codon 2252 of the KMT2D protein (p.Leu2252Val). This variant is not present in population databases (gnomAD no frequency). This variant has not been reported in the literature in individuals affected with KMT2D-related conditions. Advanced modeling of protein sequence and biophysical properties (such as structural, functional, and spatial information, amino acid conservation, physicochemical variation, residue mobility, and thermodynamic stability) performed at Invitae indicates that this missense variant is not expected to disrupt KMT2D protein function with a negative predictive value of 95%. In summary, the available evidence is currently insufficient to determine the role of this variant in disease. Therefore, it has been classified as a Variant of Uncertain Significance.

NM_003482.4(KMT2D):c.6754C>G (p.Leu2252Val)

Gene: KMT2D (lysine methyltransferase 2D; minus strand). Cytogenetic location: 12q13.12.
Variant type: single nucleotide variant.
Coding change: c.6754C>G on transcript NM_003482.4 (MANE Select); coding-DNA position 6754, C replaced by G.
Protein change: p.Leu2252Val; replaces leucine 2252 with valine.
Molecular consequence: missense variant.
Genome position (GRCh38, 1-based): chr12:49,041,016, G>C on the plus strand (C>G on the coding strand, the complement: KMT2D is on the minus strand). VCF-style: chr12-49041016-G-C. GRCh37 (hg19) VCF-style: chr12-49434799-G-C.
Other names: short protein forms L2252V.
Identifiers: ClinVar variation 2798524 (VCV002798524.3), dbSNP rs748752186, ClinGen allele CA384749794.
Genomic context (GRCh38, chr12:49,041,016, plus strand): 5'-GGGGCTCGGAAGCTTTGCCTCCCCCTACCCCAGGGCTCTCAGGCACAGCCAAGTTATCCA[G>C]CGAGGGGCAGCGGGGTTTGAGGAATGGGTCAGGTGTGGAGGGCTGGTGTCTGGGGGTGCC-3'
Protein context (NP_003473.3, residues 2242-2262): DPFLKPRCPS[Leu2252Val]DNLAVPESPG